The following is an entry in ClinVar:

NM_201596.3(CACNB2):c.978G>A (p.Ser326=)

Gene: CACNB2 (calcium voltage-gated channel auxiliary subunit beta 2; plus strand). Cytogenetic location: 10p12.31.
Variant type: single nucleotide variant.
Coding change: c.978G>A on transcript NM_201596.3 (MANE Select); coding-DNA position 978, G replaced by A.
Protein change: p.Ser326=; no amino-acid change (serine 326 retained).
Molecular consequence: synonymous variant.
Genome position (GRCh38, 1-based): chr10:18,527,621, G>A. VCF-style: chr10-18527621-G-A. GRCh37 (hg19) VCF-style: chr10-18816550-G-A.
Other names: c.813G>A, p.Ser271= (NM_000724.4); c.780G>A, p.Ser260= (NM_001167945.2); c.699G>A, p.Ser233= (NM_001330060.2); c.834G>A, p.Ser278= (NM_201570.3); c.894G>A, p.Ser298= (NM_201571.4); c.822G>A, p.Ser274= (NM_201572.4); c.816G>A, p.Ser272= (NM_201590.3); c.864G>A, p.Ser288= (NM_201593.3); and 1 more.
Identifiers: ClinVar variation 698611 (VCV000698611.13), dbSNP rs753506761, ClinGen allele CA5429862.

ClinVar aggregate classification (germline): Likely benign. Review status: criteria provided, multiple submitters, no conflicts (2 of 4 stars). 4 submissions from 4 submitters: Likely benign (4). Last evaluated 2025-04-23.

Conditions:
Cardiovascular phenotype. Identifiers: MedGen CN230736.
Brugada syndrome 4 (BRGDA4). Identifiers: Orphanet 130, MedGen C2678477, MONDO:0012743, OMIM 611876.
CACNB2-related disorder. Also called: CACNB2-related condition.

Allele frequency attached by ClinVar (database versions not stated): TOPMed 0.00004; gnomAD 0.00005.
gnomAD v4.1: 164 of 1,613,858 alleles (0.01%); highest among the groups gnomAD compares: Middle Eastern, 0.049%; no homozygotes.

Submissions (4):

PreventionGenetics, part of Exact Sciences
Classification: Likely benign for CACNB2-related condition. Last evaluated: 2025-04-23. Review status: criteria provided, single submitter. Criteria: ACMG Guidelines, 2015. Collection method: clinical testing. Allele origin: germline.
Comment: This variant is classified as likely benign based on ACMG/AMP sequence variant interpretation guidelines (Richards et al. 2015 PMID: 25741868, with internal and published modifications).

Labcorp Genetics (formerly Invitae), Labcorp
Classification: Likely benign for Brugada syndrome 4. Last evaluated: 2025-01-19. Review status: criteria provided, single submitter. Criteria: Invitae Variant Classification Sherloc (09022015). Collection method: clinical testing. Allele origin: germline.

Blueprint Genetics
Classification: Likely benign. Last evaluated: 2024-01-18. Review status: criteria provided, single submitter. Criteria: ACMG Guidelines, 2015. Collection method: clinical testing. Allele origin: germline.

Ambry Genetics
Classification: Likely benign for Cardiovascular phenotype. Last evaluated: 2020-09-23. Review status: criteria provided, single submitter. Criteria: Ambry Variant Classification Scheme 2023. Collection method: clinical testing. Allele origin: germline.